The following is an entry in ClinVar:

ClinVar aggregate classification (germline): Uncertain significance (1 of 4 stars; one submission).

Conditions:
PCK2-related disorder. Also called: PCK2-related condition.

gnomAD v4.1: 1 of 1,613,820 alleles (0.000062%); highest among the groups gnomAD compares: East Asian, 0.0022%; no homozygotes.

Submission:

PreventionGenetics, part of Exact Sciences
Classification: Uncertain significance for PCK2-related condition. Last evaluated: 2024-11-25. Review status: criteria provided, single submitter. Criteria: ACMG Guidelines, 2015. Collection method: clinical testing. Allele origin: germline.
Comment: The PCK2 c.1302G>A variant is predicted to result in the amino acid substitution p.Met434Ile. To our knowledge, this variant has not been reported in the literature or in a large population database (gnomAD), indicating this variant is rare. At this time, the clinical significance of this variant is uncertain due to the absence of conclusive functional and genetic evidence.

NM_004563.4(PCK2):c.1302G>A (p.Met434Ile)

Genes: NRL (neural retina leucine zipper; minus strand), PCK2 (phosphoenolpyruvate carboxykinase 2, mitochondrial; plus strand). Cytogenetic location: 14q12.
Variant type: single nucleotide variant.
Coding change: c.1302G>A on transcript NM_004563.4 (MANE Select); coding-DNA position 1302, G replaced by A.
Protein change: p.Met434Ile; replaces methionine 434 with isoleucine.
Molecular consequence: missense variant. On other transcripts: intron variant (3).
Genome position (GRCh38, 1-based): chr14:24,102,820, G>A. VCF-style: chr14-24102820-G-A. GRCh37 (hg19) VCF-style: chr14-24572029-G-A.
Other names: c.900G>A, p.Met300Ile (NM_001291556.2, NM_001308054.2); c.-28+11902C>T (NM_001354768.3, NM_001354770.2); c.-254+11902C>T (NM_006177.5); short protein forms M434I, M300I.
Identifiers: ClinVar variation 4990545 (VCV004990545.1).